The following is an entry in ClinVar:

NM_001164710.2(AMT):c.340-552del

Gene: AMT (aminomethyltransferase; minus strand). Cytogenetic location: 3p21.31.
Variant type: Deletion.
Coding change: c.340-552del on transcript NM_001164710.2; 552 bases into the intron before coding-DNA position 340, one base deleted (G; older notation c.340-552delG).
Molecular consequence: intron variant.
Genome position (GRCh38, 1-based): chr3:49,420,340, C deleted on the plus strand (G on the coding strand, the reverse complement: AMT is on the minus strand); the first of 4 consecutive C bases (chr3:49,420,340-49,420,343); deleting any one gives the same sequence. VCF-style (leftmost placement, unchanged base first): chr3-49420339-TC-T. GRCh37 (hg19) VCF-style: chr3-49457772-TC-T.
Identifiers: ClinVar variation 1076854 (VCV001076854.6), dbSNP rs2107933839, ClinGen allele CA2499216907.

ClinVar aggregate classification (germline): Pathogenic (1 of 4 stars; one submission).

Conditions:
Glycine encephalopathy. Also called: Nonketotic hyperglycinemia; Non-ketotic hyperglycinemia. Identifiers: Orphanet 407, MedGen C0751748, MONDO:0011612, HP:0008288.

Submission:

Labcorp Genetics (formerly Invitae), Labcorp
Classification: Pathogenic for Glycine encephalopathy. Last evaluated: 2020-05-03. Review status: criteria provided, single submitter. Criteria: Invitae Variant Classification Sherloc (09022015). Collection method: clinical testing. Allele origin: germline.
Comment: This variant has not been reported in the literature in individuals with AMT-related conditions. Loss-of-function variants in AMT are known to be pathogenic (PMID: 16450403). For these reasons, this variant has been classified as Pathogenic. This variant is not present in population databases (ExAC no frequency). This sequence change creates a premature translational stop signal (p.Thr115Hisfs*13) in the AMT gene. It is expected to result in an absent or disrupted protein product.

Literature cited by the submitters: PubMed 16450403.